The following is an entry in ClinVar:

NM_032237.5(POMK):c.882G>A (p.Gly294=)

Gene: POMK (protein O-mannose kinase; plus strand). Cytogenetic location: 8p11.21.
Variant type: single nucleotide variant.
Coding change: c.882G>A on transcript NM_032237.5 (MANE Select); coding-DNA position 882, G replaced by A.
Protein change: p.Gly294=; no amino-acid change (glycine 294 retained).
Molecular consequence: synonymous variant.
Genome position (GRCh38, 1-based): chr8:43,122,706, G>A. VCF-style: chr8-43122706-G-A. GRCh37 (hg19) VCF-style: chr8-42977849-G-A.
Other names: c.882G>A, p.Gly294= (NM_001277971.2).
Identifiers: ClinVar variation 474197 (VCV000474197.38), dbSNP rs56282240, ClinGen allele CA4736370.

ClinVar aggregate classification (germline): Likely benign. Review status: criteria provided, multiple submitters, no conflicts (2 of 4 stars). 5 submissions from 5 submitters: Likely benign (5). Last evaluated 2026-01-12.

Conditions:
Limb-girdle muscular dystrophy due to POMK deficiency. Also called: Muscular dystrophy-dystroglycanopathy (limb-girdle), type c, 12; MUSCULAR DYSTROPHY-DYSTROGLYCANOPATHY, LIMB-GIRDLE, POMK-RELATED. Identifiers: Orphanet 445110, MedGen C4015184, MONDO:0014489, OMIM 616094.
Muscular dystrophy-dystroglycanopathy (congenital with brain and eye anomalies), type a, 12 (MDDGA12). Also called: WALKER-WARBURG SYNDROME OR MUSCLE-EYE-BRAIN DISEASE, POMK-RELATED. Identifiers: Orphanet 899, MedGen C3808964, MONDO:0014101, OMIM 615249.
POMK-related disorder. Also called: POMK-related condition.

Allele frequency attached by ClinVar (database versions not stated): 1000 Genomes Project 0.00020; 1000 Genomes Project 30x 0.00047; TOPMed 0.00068; gnomAD 0.00087 and 0.00099; gnomAD exomes 0.00088 and 0.00105; ESP Exome Variant Server 0.00092; ExAC 0.00110.
gnomAD v4.1: 1,438 of 1,614,136 alleles (0.089%); highest among the groups gnomAD compares: Non-Finnish European, 0.094%; 2 homozygotes.

Submissions (5):

Labcorp Genetics (formerly Invitae), Labcorp
Classification: Likely benign for Muscular dystrophy-dystroglycanopathy (congenital with brain and eye anomalies), type a, 12; Limb-girdle muscular dystrophy due to POMK deficiency. Last evaluated: 2026-01-12. Review status: criteria provided, single submitter. Criteria: Invitae Variant Classification Sherloc (09022015). Collection method: clinical testing. Allele origin: germline.

PreventionGenetics, part of Exact Sciences
Classification: Likely benign for POMK-related condition. Last evaluated: 2025-11-04. Review status: criteria provided, single submitter. Criteria: ACMG Guidelines, 2015. Collection method: clinical testing. Allele origin: germline.
Comment: This variant is classified as likely benign based on ACMG/AMP sequence variant interpretation guidelines (Richards et al. 2015 PMID: 25741868, with internal and published modifications).

Blueprint Genetics
Classification: Likely benign. Last evaluated: 2024-11-08. Review status: criteria provided, single submitter. Criteria: ACMG Guidelines, 2015. Collection method: clinical testing. Allele origin: germline.

CeGaT Center for Human Genetics Tuebingen
Classification: Likely benign. Last evaluated: 2023-01-01. Review status: criteria provided, single submitter. Criteria: CeGaT Center For Human Genetics Tuebingen Variant Classification Criteria Version 2. Collection method: clinical testing. Allele origin: germline. Affected: yes. Observed: 1 variant allele.
Comment: POMK: BP4, BP7

GeneDx
Classification: Likely benign. Last evaluated: 2021-06-16. Review status: criteria provided, single submitter. Criteria: GeneDx Variant Classification Process June 2021. Collection method: clinical testing. Allele origin: germline. Affected: yes.